The following is an entry in ClinVar:

NM_001232.4(CASQ2):c.250C>T (p.Leu84Phe)

Gene: CASQ2 (calsequestrin 2; minus strand). Cytogenetic location: 1p13.1.
Variant type: single nucleotide variant.
Coding change: c.250C>T on transcript NM_001232.4 (MANE Select); coding-DNA position 250, C replaced by T.
Protein change: p.Leu84Phe; replaces leucine 84 with phenylalanine.
Molecular consequence: missense variant.
Genome position (GRCh38, 1-based): chr1:115,744,897, G>A on the plus strand (C>T on the coding strand, the complement: CASQ2 is on the minus strand). VCF-style: chr1-115744897-G-A. GRCh37 (hg19) VCF-style: chr1-116287518-G-A.
Other names: short protein forms L84F.
Identifiers: ClinVar variation 853994 (VCV000853994.10), dbSNP rs1274422352, ClinGen allele CA341765524.

ClinVar aggregate classification (germline): Uncertain significance. Review status: criteria provided, multiple submitters, no conflicts (2 of 4 stars). 2 submissions from 2 submitters: Uncertain significance (2). Last evaluated 2025-12-31.

Conditions:
Catecholaminergic polymorphic ventricular tachycardia 1. Also called: VENTRICULAR TACHYCARDIA, CATECHOLAMINERGIC POLYMORPHIC, 1, WITH OR WITHOUT ATRIAL DYSFUNCTION AND/OR DILATED CARDIOMYOPATHY; RYR2-Related Catecholaminergic Polymorphic Ventricular Tachycardia; VENTRICULAR TACHYCARDIA, STRESS-INDUCED POLYMORPHIC 1. Identifiers: Orphanet 3286, MedGen C1631597, MONDO:0011484, OMIM 604772.
Cardiovascular phenotype. Identifiers: MedGen CN230736.

Submissions (2):

Ambry Genetics
Classification: Uncertain significance for Cardiovascular phenotype. Last evaluated: 2025-12-31. Review status: criteria provided, single submitter. Criteria: Ambry Variant Classification Scheme 2023. Collection method: clinical testing. Allele origin: germline.
Comment: The p.L84F variant (also known as c.250C>T), located in coding exon 2 of the CASQ2 gene, results from a C to T substitution at nucleotide position 250. The leucine at codon 84 is replaced by phenylalanine, an amino acid with highly similar properties. This amino acid position is highly conserved in available vertebrate species. In addition, the in silico prediction for this alteration is inconclusive. Based on the available evidence, the clinical significance of this variant remains unclear.

Labcorp Genetics (formerly Invitae), Labcorp
Classification: Uncertain significance for Catecholaminergic polymorphic ventricular tachycardia 1. Last evaluated: 2019-12-01. Review status: criteria provided, single submitter. Criteria: Invitae Variant Classification Sherloc (09022015). Collection method: clinical testing. Allele origin: germline.
Comment: In summary, the available evidence is currently insufficient to determine the role of this variant in disease. Therefore, it has been classified as a Variant of Uncertain Significance. Algorithms developed to predict the effect of missense changes on protein structure and function are either unavailable or do not agree on the potential impact of this missense change (SIFT: "Deleterious"; PolyPhen-2: "Possibly Damaging"; Align-GVGD: "Class C0"). This variant has not been reported in the literature in individuals with CASQ2-related conditions. This variant is not present in population databases (ExAC no frequency). This sequence change replaces leucine with phenylalanine at codon 84 of the CASQ2 protein (p.Leu84Phe). The leucine residue is moderately conserved and there is a small physicochemical difference between leucine and phenylalanine.